The following is an entry in ClinVar:

NM_007194.4(CHEK2):c.887A>G (p.Asp296Gly)

Gene: CHEK2 (checkpoint kinase 2; minus strand). Cytogenetic location: 22q12.1.
Variant type: single nucleotide variant.
Coding change: c.887A>G on transcript NM_007194.4 (MANE Select); coding-DNA position 887, A replaced by G.
Protein change: p.Asp296Gly; replaces aspartic acid 296 with glycine.
Molecular consequence: missense variant.
Genome position (GRCh38, 1-based): chr22:28,703,526, T>C on the plus strand (A>G on the coding strand, the complement: CHEK2 is on the minus strand). VCF-style: chr22-28703526-T-C. GRCh37 (hg19) VCF-style: chr22-29099514-T-C.
Other names: c.887A>G, p.Asp296Gly (NM_145862.3); c.1016A>G, p.Asp339Gly (NM_001005735.3); c.224A>G, p.Asp75Gly (NM_001257387.3); c.686A>G, p.Asp229Gly (NM_001349956.3); short protein forms D296G, D229G, D339G, D75G.
Identifiers: ClinVar variation 581826 (VCV000581826.24), dbSNP rs777397542, ClinGen allele CA10167792.

ClinVar aggregate classification (germline): Uncertain significance. Review status: criteria provided, multiple submitters, no conflicts (2 of 4 stars). 7 submissions from 7 submitters: Uncertain significance (7). Last evaluated 2025-10-18.

Conditions:
Hereditary cancer-predisposing syndrome. Also called: Neoplastic Syndromes, Hereditary; Hereditary Cancer Syndrome; Hereditary neoplastic syndrome; Tumor predisposition. Identifiers: Orphanet 140162, MedGen C0027672, MeSH D009386, MONDO:0015356.
Familial cancer of breast. Also called: BREAST CANCER, FAMILIAL; Hereditary breast cancer; hereditary breast carcinoma. Identifiers: Orphanet 227535, MedGen C0346153, MONDO:0016419, OMIM 114480. Disease mechanism: loss of function.

Allele frequency attached by ClinVar (database versions not stated): TOPMed below 0.00001; ExAC 0.00003.

Submissions (7):

Ambry Genetics
Classification: Uncertain significance for Hereditary cancer-predisposing syndrome. Last evaluated: 2025-10-18. Review status: criteria provided, single submitter. Criteria: Ambry Variant Classification Scheme 2023. Collection method: clinical testing. Allele origin: germline.
Comment: The p.D296G variant (also known as c.887A>G), located in coding exon 7 of the CHEK2 gene, results from an A to G substitution at nucleotide position 887. The aspartic acid at codon 296 is replaced by glycine, an amino acid with similar properties. This alteration was reported as functional in a study assessing CHEK2-complementation through quantification of KAP1 phosphorylation and CHK2 autophosphorylation in human RPE1-CHEK2-knockout cells (Stolarova L et al. Clin Cancer Res, 2023 Aug;29:3037-3050), however this assay does not take possible splicing impact into account. One minigene study reported this variant as having an incomplete splicing impact (Sanoguera-Miralles L. et al. J Pathol. 2024 Apr;262(4):395-409). This amino acid position is highly conserved in available vertebrate species. This nucleotide position is highly conserved in available vertebrate species. In addition, this alteration is predicted to be deleterious by in silico analysis. In silico splice site analysis predicts that this alteration may weaken the native splice donor site. RNA studies have demonstrated that this alteration results in an incomplete splice defect; the clinical impact of this abnormal splicing is unknown at this time (Ambry internal data; Sanoguera-Miralles L. et al. J Pathol. 2024 Apr;262(4):395-409). Based on the available evidence, the clinical significance of this variant remains unclear.

GeneDx
Classification: Uncertain significance. Last evaluated: 2025-01-31. Review status: criteria provided, single submitter. Criteria: GeneDx Variant Classification Process June 2021. Collection method: clinical testing. Allele origin: germline. Affected: yes.
Comment: In silico analysis is inconclusive as to whether the variant alters gene splicing.; Not observed at significant frequency in large population cohorts (gnomAD); In silico analysis supports that this missense variant has a deleterious effect on protein structure/function; This variant is associated with the following publications: (PMID: 38332730, 22419737, 19782031, 37449874)

Dasa
Classification: Uncertain significance. Last evaluated: 2025-01-14. Review status: criteria provided, single submitter. Criteria: DASA Assertion Criteria. Collection method: clinical testing. Allele origin: germline.
Comment: NM_007194.4(CHEK2):c.887A>G (p.Asp296Gly) is a missense variant that results in the substitution of aspartic acid with glycine. This variant is rare in population databases. Computational prediction algorithms are consistent with a deleterious effect. The currently available literature and clinical evidence are not sufficient to establish a definitive association between this variant and the reported condition. Therefore, this variant is classified as a variant of uncertain significance.

Color Diagnostics, LLC DBA Color Health
Classification: Uncertain significance for Hereditary cancer-predisposing syndrome. Last evaluated: 2024-10-21. Review status: criteria provided, single submitter. Criteria: ACMG Guidelines, 2015. Collection method: clinical testing. Allele origin: germline.
Comment: This missense variant replaces aspartic acid with glycine at codon 296 of the CHEK2 protein. Computational prediction suggests that this variant may not impact protein structure and function. Splice site prediction tools suggest that this variant may impact RNA splicing. To our knowledge, RNA studies have not been reported for this variant. This variant has not been reported in individuals affected with hereditary cancer in the literature. This variant has been identified in 1/217246 chromosomes in the general population by the Genome Aggregation Database (gnomAD). The available evidence is insufficient to determine the role of this variant in disease conclusively. Therefore, this variant is classified as a Variant of Uncertain Significance.

Labcorp Genetics (formerly Invitae), Labcorp
Classification: Uncertain significance for Familial cancer of breast. Last evaluated: 2024-10-09. Review status: criteria provided, single submitter. Criteria: Invitae Variant Classification Sherloc (09022015). Collection method: clinical testing. Allele origin: germline.
Comment: This sequence change replaces aspartic acid, which is acidic and polar, with glycine, which is neutral and non-polar, at codon 296 of the CHEK2 protein (p.Asp296Gly). The frequency data for this variant in the population databases is considered unreliable, as metrics indicate poor data quality at this position in the gnomAD database. This variant has not been reported in the literature in individuals affected with CHEK2-related conditions. ClinVar contains an entry for this variant (Variation ID: 581826). An algorithm developed to predict the effect of missense changes on protein structure and function (PolyPhen-2) suggests that this variant is likely to be disruptive. Studies have shown this missense change is associated with skipping of exon 8, but one or more of the resulting mRNA isoform(s) may be naturally occurring (internal data). In summary, the available evidence is currently insufficient to determine the role of this variant in disease. Therefore, it has been classified as a Variant of Uncertain Significance.

Molecular Pathology, Peter Maccallum Cancer Centre
Classification: Uncertain significance for Familial cancer of breast. Last evaluated: 2024-02-24. Review status: criteria provided, single submitter. Criteria: ACMG Guidelines, 2015. Collection method: clinical testing. Allele origin: germline. Inheritance: Autosomal dominant inheritance.

Baylor Genetics
Classification: Uncertain significance for Familial cancer of breast. Last evaluated: 2024-02-16. Review status: criteria provided, single submitter. Criteria: ACMG Guidelines, 2015. Collection method: clinical testing. Allele origin: unknown.

Literature cited by the submitters: PubMed 37449874 (cited by Ambry Genetics); PubMed 38332730 (cited by Ambry Genetics).